The following is an entry in ClinVar:

ClinVar aggregate classification (germline): Pathogenic (1 of 4 stars; one submission).

Submission:

Labcorp Genetics (formerly Invitae), Labcorp
Classification: Pathogenic. Last evaluated: 2024-09-03. Review status: criteria provided, single submitter. Criteria: Invitae Variant Classification Sherloc (09022015). Collection method: clinical testing. Allele origin: germline.
Comment: This sequence change creates a premature translational stop signal (p.Ile644Leufs*5) in the CYLD gene. It is expected to result in an absent or disrupted protein product. Loss-of-function variants in CYLD are known to be pathogenic (PMID: 19462465). This variant is not present in population databases (gnomAD no frequency). This variant has not been reported in the literature in individuals affected with CYLD-related conditions. For these reasons, this variant has been classified as Pathogenic.

Literature cited by the submitters: PubMed 19462465.

NM_001378743.1(CYLD):c.1930del (p.Ile644fs)

Genes: CYLD (CYLD lysine 63 deubiquitinase; plus strand), CYLD-AS2 (CYLD antisense RNA 2; minus strand). Cytogenetic location: 16q12.1.
Variant type: Deletion.
Coding change: c.1930del on transcript NM_001378743.1 (MANE Select); coding-DNA position 1930, one base deleted (A; older notation c.1930delA).
Protein change: p.Ile644fs; shifts the reading frame from isoleucine 644.
Molecular consequence: frameshift variant. On other transcripts: non-coding transcript variant (1).
Genome position (GRCh38, 1-based): chr16:50,784,432, A deleted; the last of 3 consecutive A bases (chr16:50,784,430-50,784,432); deleting any one gives the same sequence. VCF-style (leftmost placement, unchanged base first): chr16-50784429-GA-G. GRCh37 (hg19) VCF-style: chr16-50818340-GA-G.
Other names: c.1921del, p.Ile641fs (NM_001378745.1, NM_001378746.1, NM_001378747.1 and 6 more transcripts); c.1891del, p.Ile631fs (NM_001378751.1, NM_001378752.1, NM_001378753.1); c.1255del, p.Ile419fs (NM_001378754.1, NM_001378755.1); c.1930del, p.Ile644fs (NM_015247.3); short protein forms I419fs, I641fs, I631fs, I644fs.
Identifiers: ClinVar variation 3664310 (VCV003664310.2).